The following is an entry in ClinVar:

NM_000089.4(COL1A2):c.3782C>G (p.Ala1261Gly)

Gene: COL1A2 (collagen type I alpha 2 chain; plus strand). Cytogenetic location: 7q21.3.
Variant type: single nucleotide variant.
Coding change: c.3782C>G on transcript NM_000089.4 (MANE Select); coding-DNA position 3782, C replaced by G.
Protein change: p.Ala1261Gly; replaces alanine 1261 with glycine.
Molecular consequence: missense variant.
Genome position (GRCh38, 1-based): chr7:94,429,258, C>G. VCF-style: chr7-94429258-C-G. GRCh37 (hg19) VCF-style: chr7-94058570-C-G.
Other names: short protein forms A1261G.
Identifiers: ClinVar variation 3758896 (VCV003758896.2).

ClinVar aggregate classification (germline): Uncertain significance (1 of 4 stars; one submission).

Conditions:
Ehlers-Danlos syndrome, classic type, 1 (EDSCL1). Also called: EHLERS-DANLOS SYNDROME, GRAVIS TYPE; EHLERS-DANLOS SYNDROME, SEVERE CLASSIC TYPE; Ehlers-Danlos syndrome, type 1; Ehlers-Danlos Syndrome, Classic Type, COL5A1-Related; EDS I. Identifiers: MedGen C0268335, MONDO:0019567, OMIM 130000.
Osteogenesis imperfecta type I (OI1). Also called: OI, TYPE I; OSTEOGENESIS IMPERFECTA TARDA; OSTEOGENESIS IMPERFECTA WITH BLUE SCLERAE; Osteogenesis imperfecta type 1; Lobstein's Disease; Lobstein disease. Identifiers: Orphanet 216796, Orphanet 666, MedGen C0023931, MONDO:0008146, OMIM 166200. Disease mechanism: loss of function.

Submission:

Labcorp Genetics (formerly Invitae), Labcorp
Classification: Uncertain significance for Osteogenesis imperfecta type I; Ehlers-Danlos syndrome, classic type, 1. Last evaluated: 2025-03-10. Review status: criteria provided, single submitter. Criteria: Invitae Variant Classification Sherloc (09022015). Collection method: clinical testing. Allele origin: germline.
Comment: This sequence change replaces alanine, which is neutral and non-polar, with glycine, which is neutral and non-polar, at codon 1261 of the COL1A2 protein (p.Ala1261Gly). This variant is not present in population databases (gnomAD no frequency). This variant has not been reported in the literature in individuals affected with COL1A2-related conditions. Invitae Evidence Modeling of protein sequence and biophysical properties (such as structural, functional, and spatial information, amino acid conservation, physicochemical variation, residue mobility, and thermodynamic stability) indicates that this missense variant is expected to disrupt COL1A2 protein function with a positive predictive value of 95%. In summary, the available evidence is currently insufficient to determine the role of this variant in disease. Therefore, it has been classified as a Variant of Uncertain Significance.